The following is an entry in ClinVar:

NM_002184.4(IL6ST):c.2480A>T (p.Asp827Val)

Gene: IL6ST (interleukin 6 cytokine family signal transducer; minus strand). Cytogenetic location: 5q11.2.
Variant type: single nucleotide variant.
Coding change: c.2480A>T on transcript NM_002184.4 (MANE Select); coding-DNA position 2480, A replaced by T.
Protein change: p.Asp827Val; replaces aspartic acid 827 with valine.
Molecular consequence: missense variant. On other transcripts: 3 prime UTR variant (1), non-coding transcript variant (2).
Genome position (GRCh38, 1-based): chr5:55,941,359, T>A on the plus strand (A>T on the coding strand, the complement: IL6ST is on the minus strand). VCF-style: chr5-55941359-T-A. GRCh37 (hg19) VCF-style: chr5-55237187-T-A.
Other names: c.2297A>T, p.Asp766Val (NM_001190981.2); c.2378A>T, p.Asp793Val (NM_001364275.2); c.2270A>T, p.Asp757Val (NM_001364276.2); c.1613A>T, p.Asp538Val (NM_001364277.2); c.1577A>T, p.Asp526Val (NM_001364278.2); c.1484A>T, p.Asp495Val (NM_001364279.2); c.*1407A>T (NM_175767.3); short protein forms D495V, D793V, D766V, D827V, D526V, D757V, D538V.
Identifiers: ClinVar variation 3645005 (VCV003645005.2).
Genomic context (GRCh38, chr5:55,941,359, plus strand): 5'-CTAACAAAATCTTCCTCATTGACTGATGAAACTTGCTTTGACCTTTCAAAATGTGAAATA[T>A]CTGGACTGGATTCATGCTGACTGCAGTTCTGTTTGAAGTACTGTTGCCTGGGCAAAATAC-3'
Protein context (NP_002175.2, residues 817-837): QNCSQHESSP[Asp827Val]ISHFERSKQV

ClinVar aggregate classification (germline): Uncertain significance (1 of 4 stars; one submission).

Submission:

Labcorp Genetics (formerly Invitae), Labcorp
Classification: Uncertain significance. Last evaluated: 2024-03-07. Review status: criteria provided, single submitter. Criteria: Invitae Variant Classification Sherloc (09022015). Collection method: clinical testing. Allele origin: germline.
Comment: This sequence change replaces aspartic acid, which is acidic and polar, with valine, which is neutral and non-polar, at codon 827 of the IL6ST protein (p.Asp827Val). This variant is not present in population databases (gnomAD no frequency). This variant has not been reported in the literature in individuals affected with IL6ST-related conditions. Algorithms developed to predict the effect of missense changes on protein structure and function output the following: SIFT: "Not Available"; PolyPhen-2: "Benign"; Align-GVGD: "Not Available". The valine amino acid residue is found in multiple mammalian species, which suggests that this missense change does not adversely affect protein function. In summary, the available evidence is currently insufficient to determine the role of this variant in disease. Therefore, it has been classified as a Variant of Uncertain Significance.